The following is an entry in ClinVar:

ClinVar aggregate classification (germline): Pathogenic/Likely pathogenic. Review status: criteria provided, multiple submitters, no conflicts (2 of 4 stars). 2 submissions from 2 submitters: Pathogenic (1); Likely pathogenic (1). Last evaluated 2026-01-22.

Conditions:
Marfan syndrome (MFS). Also called: MARFAN SYNDROME, TYPE I; Marfan syndrome type 1; Marfan's syndrome; Marfan syndrome, classic; FBN1-Related Marfan Syndrome. Identifiers: Orphanet 284963, Orphanet 558, MedGen C0024796, MONDO:0007947, OMIM 154700.
Familial thoracic aortic aneurysm and aortic dissection (TAAD). Also called: Thoracic aortic aneurysms and dissections. Identifiers: Orphanet 91387, MedGen C4707243, MONDO:0019625.

Submissions (2):

Labcorp Genetics (formerly Invitae), Labcorp
Classification: Pathogenic for Marfan syndrome; Familial thoracic aortic aneurysm and aortic dissection. Last evaluated: 2026-01-22. Review status: criteria provided, single submitter. Criteria: Invitae Variant Classification Sherloc (09022015). Collection method: clinical testing. Allele origin: germline.
Comment: This sequence change creates a premature translational stop signal (p.Gln2867*) in the FBN1 gene. While this is not anticipated to result in nonsense mediated decay, it is expected to disrupt the last 5 amino acid(s) of the FBN1 protein. This variant is not present in population databases (gnomAD no frequency). This premature translational stop signal has been observed in individual(s) with Marfan syndrome (PMID: 19293843). ClinVar contains an entry for this variant (Variation ID: 3893252). Algorithms developed to predict the effect of variants on gene product structure and function are not available or were not evaluated for this variant. Experimental studies have shown that this premature translational stop signal affects FBN1 function (PMID: 24982166). For these reasons, this variant has been classified as Pathogenic.

Illumina Laboratory Services, Illumina
Classification: Likely pathogenic for Familial thoracic aortic aneurysm and aortic dissection. Last evaluated: 2024-03-07. Review status: criteria provided, single submitter. Criteria: ICSLVariantClassificationCriteria RUGD 01 April 2020. Collection method: clinical testing. Allele origin: unknown.
Comment: The FBN1 c.8599C>T p.(Gln2867Ter) nonsense variant is expected to result in loss of normal protein function through protein truncation. This variant occurs in the last exon of the gene and the resulting transcript may escape nonsense-mediated mRNA decay. This variant has been identified in individuals with a phenotype consistent with Marfan syndrome (PMID: 19293843). A functional study conducted in a human cell line demonstrated that this variant inhibits fibrillin-1 protein processing and secretion (PMID: 24982166). This variant is not observed in version 2.1.1 or version 4.0.0 of the Genome Aggregation Database. Based on the available evidence, the c.8599C>T p.(Gln2867Ter) variant is classified as likely pathogenic for familial thoracic aortic aneurysm and dissection.

Literature cited by the submitters: PubMed 19293843 (cited by Labcorp Genetics (formerly Invitae), Labcorp and Illumina Laboratory Services, Illumina); PubMed 24982166 (cited by Labcorp Genetics (formerly Invitae), Labcorp and Illumina Laboratory Services, Illumina).

NM_000138.5(FBN1):c.8599C>T (p.Gln2867Ter)

Gene: FBN1 (fibrillin 1; minus strand). Cytogenetic location: 15q21.1.
Variant type: single nucleotide variant.
Coding change: c.8599C>T on transcript NM_000138.5 (MANE Select); coding-DNA position 8599, C replaced by T.
Protein change: p.Gln2867Ter; replaces glutamine 2867 with a stop codon.
Molecular consequence: nonsense.
Genome position (GRCh38, 1-based): chr15:48,411,007, G>A on the plus strand (C>T on the coding strand, the complement: FBN1 is on the minus strand). VCF-style: chr15-48411007-G-A. GRCh37 (hg19) VCF-style: chr15-48703204-G-A.
Other names: short protein forms Q2867*.
Identifiers: ClinVar variation 3893252 (VCV003893252.2), dbSNP rs794728288.